The following is an entry in ClinVar:

ClinVar aggregate classification (germline): Uncertain significance (1 of 4 stars; one submission).

gnomAD v4.1: 3 of 1,612,820 alleles (0.00019%); highest among the groups gnomAD compares: Non-Finnish European, 0.00025%; no homozygotes.

Submission:

Labcorp Genetics (formerly Invitae), Labcorp
Classification: Uncertain significance. Last evaluated: 2024-02-02. Review status: criteria provided, single submitter. Criteria: Invitae Variant Classification Sherloc (09022015). Collection method: clinical testing. Allele origin: germline.
Comment: This sequence change replaces aspartic acid, which is acidic and polar, with alanine, which is neutral and non-polar, at codon 511 of the CSF1R protein (p.Asp511Ala). This variant is present in population databases (rs758099558, gnomAD 0.0009%). This variant has not been reported in the literature in individuals affected with CSF1R-related conditions. Advanced modeling of protein sequence and biophysical properties (such as structural, functional, and spatial information, amino acid conservation, physicochemical variation, residue mobility, and thermodynamic stability) performed at Invitae indicates that this missense variant is not expected to disrupt CSF1R protein function with a negative predictive value of 95%. In summary, the available evidence is currently insufficient to determine the role of this variant in disease. Therefore, it has been classified as a Variant of Uncertain Significance.

NM_001288705.3(CSF1R):c.1532A>C (p.Asp511Ala)

Gene: CSF1R (colony stimulating factor 1 receptor; minus strand). Cytogenetic location: 5q32.
Variant type: single nucleotide variant.
Coding change: c.1532A>C on transcript NM_001288705.3 (MANE Select); coding-DNA position 1532, A replaced by C.
Protein change: p.Asp511Ala; replaces aspartic acid 511 with alanine.
Molecular consequence: missense variant. On other transcripts: non-coding transcript variant (2).
Genome position (GRCh38, 1-based): chr5:150,068,309, T>G on the plus strand (A>C on the coding strand, the complement: CSF1R is on the minus strand). VCF-style: chr5-150068309-T-G. GRCh37 (hg19) VCF-style: chr5-149447872-T-G.
Other names: c.1532A>C, p.Asp511Ala (NM_001349736.2, NM_005211.4, NM_001375320.1); c.1088A>C, p.Asp363Ala (NM_001375321.1); short protein forms D363A, D511A.
Identifiers: ClinVar variation 3635551 (VCV003635551.2).